The following is an entry in ClinVar:

NM_001083961.2(WDR62):c.3065C>T (p.Ser1022Leu)

Gene: WDR62 (WD repeat domain 62; plus strand). Cytogenetic location: 19q13.12.
Variant type: single nucleotide variant.
Coding change: c.3065C>T on transcript NM_001083961.2 (MANE Select); coding-DNA position 3065, C replaced by T.
Protein change: p.Ser1022Leu; replaces serine 1022 with leucine.
Molecular consequence: missense variant.
Genome position (GRCh38, 1-based): chr19:36,101,757, C>T. VCF-style: chr19-36101757-C-T. GRCh37 (hg19) VCF-style: chr19-36592659-C-T.
Other names: c.3065C>T, p.Ser1022Leu (NM_173636.5); short protein forms S1022L.
Identifiers: ClinVar variation 1336951 (VCV001336951.6), dbSNP rs143004535, ClinGen allele CA9396130.

ClinVar aggregate classification (germline): Uncertain significance. Review status: criteria provided, multiple submitters, no conflicts (2 of 4 stars). 3 submissions from 3 submitters: Uncertain significance (3). Last evaluated 2022-03-26.

Allele frequency attached by ClinVar (database versions not stated): ExAC 0.00005; gnomAD 0.00007; TOPMed 0.00007; ESP Exome Variant Server 0.00008; gnomAD exomes 0.00001.
gnomAD v4.1: 46 of 1,551,900 alleles (0.003%); highest among the groups gnomAD compares: Middle Eastern, 0.1%; no homozygotes.

Submissions (3):

Labcorp Genetics (formerly Invitae), Labcorp
Classification: Uncertain significance. Last evaluated: 2022-03-26. Review status: criteria provided, single submitter. Criteria: Invitae Variant Classification Sherloc (09022015). Collection method: clinical testing. Allele origin: germline.
Comment: This sequence change replaces serine, which is neutral and polar, with leucine, which is neutral and non-polar, at codon 1022 of the WDR62 protein (p.Ser1022Leu). This variant is present in population databases (rs143004535, gnomAD 0.02%). This variant has not been reported in the literature in individuals affected with WDR62-related conditions. Algorithms developed to predict the effect of missense changes on protein structure and function output the following: SIFT: "Tolerated"; PolyPhen-2: "Benign"; Align-GVGD: "Class C0". The leucine amino acid residue is found in multiple mammalian species, which suggests that this missense change does not adversely affect protein function. In summary, the available evidence is currently insufficient to determine the role of this variant in disease. Therefore, it has been classified as a Variant of Uncertain Significance.

Genetic Services Laboratory, University of Chicago
Classification: Uncertain significance. Last evaluated: 2018-11-14. Review status: criteria provided, single submitter. Criteria: ACMG Guidelines, 2015. Collection method: clinical testing. Allele origin: germline. Affected: no.

Breakthrough Genomics
Classification: Uncertain significance. Review status: criteria provided, single submitter. Criteria: ACMG Guidelines, 2015. Collection method: not provided. Allele origin: germline. Inheritance: Autosomal dominant inheritance. Affected: yes.